The following is an entry in ClinVar:

NM_000535.7(PMS2):c.2412G>T (p.Lys804Asn)

Gene: PMS2 (PMS1 homolog 2, mismatch repair system component; minus strand). Cytogenetic location: 7p22.1.
Variant type: single nucleotide variant.
Coding change: c.2412G>T on transcript NM_000535.7 (MANE Select); coding-DNA position 2412, G replaced by T.
Protein change: p.Lys804Asn; replaces lysine 804 with asparagine.
Molecular consequence: missense variant. On other transcripts: non-coding transcript variant (1).
Genome position (GRCh38, 1-based): chr7:5,977,621, C>A on the plus strand (G>T on the coding strand, the complement: PMS2 is on the minus strand). VCF-style: chr7-5977621-C-A. GRCh37 (hg19) VCF-style: chr7-6017252-C-A.
Other names: c.2007G>T, p.Lys669Asn (NM_001018040.1, NM_001322003.2, NM_001322004.2 and 12 more transcripts); c.2256G>T, p.Lys752Asn (NM_001322006.2); c.2094G>T, p.Lys698Asn (NM_001322007.2, NM_001322008.2, NM_001406883.1); c.2040G>T, p.Lys680Asn (NM_001322009.2, NM_001406887.1, NM_001406888.1); c.1851G>T, p.Lys617Asn (NM_001322010.2, NM_001406906.1, NM_001406907.1); c.1479G>T, p.Lys493Asn (NM_001322011.2, NM_001322012.2); c.1839G>T, p.Lys613Asn (NM_001322013.2, NM_001406908.1, NM_001406909.1); c.2445G>T, p.Lys815Asn (NM_001322014.2); and 20 more; short protein forms K403N, K547N, K565N, K669N, K698N, K701N, K709N, K756N.
Identifiers: ClinVar variation 1790905 (VCV001790905.2), dbSNP rs547715146, ClinGen allele CA366735645.

ClinVar aggregate classification (germline): Uncertain significance (1 of 4 stars; one submission).

Conditions:
Hereditary cancer-predisposing syndrome. Also called: Hereditary Cancer Syndrome; Hereditary neoplastic syndrome; Tumor predisposition; Neoplastic Syndromes, Hereditary. Identifiers: Orphanet 140162, MedGen C0027672, MeSH D009386, MONDO:0015356.

Submission:

Ambry Genetics
Classification: Uncertain significance for Hereditary cancer-predisposing syndrome. Last evaluated: 2022-03-20. Review status: criteria provided, single submitter. Criteria: Ambry Variant Classification Scheme 2023. Collection method: clinical testing. Allele origin: germline.
Comment: The p.K804N variant (also known as c.2412G>T), located in coding exon 14 of the PMS2 gene, results from a G to T substitution at nucleotide position 2412. The lysine at codon 804 is replaced by asparagine, an amino acid with similar properties. This amino acid position is conserved. In addition, this alteration is predicted to be tolerated by in silico analysis. Since supporting evidence is limited at this time, the clinical significance of this alteration remains unclear.